The following is an entry in ClinVar:

NM_012254.3(SLC27A5):c.367C>T (p.Arg123Ter)

Gene: SLC27A5 (solute carrier family 27 member 5; minus strand). Cytogenetic location: 19q13.43.
Variant type: single nucleotide variant.
Coding change: c.367C>T on transcript NM_012254.3 (MANE Select); coding-DNA position 367, C replaced by T.
Protein change: p.Arg123Ter; replaces arginine 123 with a stop codon.
Molecular consequence: nonsense.
Genome position (GRCh38, 1-based): chr19:58,511,589, G>A on the plus strand (C>T on the coding strand, the complement: SLC27A5 is on the minus strand). VCF-style: chr19-58511589-G-A. GRCh37 (hg19) VCF-style: chr19-59022956-G-A.
Other names: NC_000019.9:g.59022956G>A; c.367C>T, p.Arg123Ter (NM_001321196.2); c.367C>T (NM_012254.2); short protein forms R123*.
Identifiers: ClinVar variation 4446054 (VCV004446054.2).
Genomic context (GRCh38, chr19:58,511,589, plus strand): 5'-CTGAGCCGGCCCCAGGCCCCGTCCACACCAAGAGTGCCCTGCCAGGCTGCGCTCGTGCTC[G>A]CCGCTCGAAGGCATCTACAAAGGTGTCAGGCGGCTGCCGGCTCAAGCATCCCCTGATCTT-3'

ClinVar aggregate classification (germline): Uncertain significance (1 of 4 stars; one submission).

Conditions:
SLC27A5-related disorder. Also called: SLC27A5-related condition.

gnomAD v4.1: 47 of 1,577,048 alleles (0.003%); highest among the groups gnomAD compares: South Asian, 0.02%; no homozygotes.

Submissions (2):

PreventionGenetics, part of Exact Sciences
Classification: Uncertain significance for SLC27A5-related condition. Last evaluated: 2025-12-30. Review status: criteria provided, single submitter. Criteria: ACMG Guidelines, 2015. Collection method: clinical testing. Allele origin: germline.
Comment: The SLC27A5 c.367C>T variant is predicted to result in premature protein termination (p.Arg123*). To our knowledge, this variant has not been reported in the literature. This variant is reported in 0.043% of alleles in individuals of South Asian descent in gnomAD. At this time, the clinical significance of this variant is uncertain due to the absence of conclusive functional and genetic evidence.

Dr. Peter K. Rogan Lab, Western University
No classification provided (evidence only). Condition: Nonpapillary renal cell carcinoma. Review status: no classification provided. Collection method: in vitro. Allele origin: not applicable. Functional consequence: retained intron. Not counted in ClinVar's aggregate classification.